The following is an entry in ClinVar:

ClinVar aggregate classification (germline): Uncertain significance (1 of 4 stars; one submission).

Submission:

Mayo Clinic Laboratories, Mayo Clinic
Classification: Uncertain significance. Last evaluated: 2025-07-10. Review status: criteria provided, single submitter. Criteria: ACMG Guidelines, 2015. Collection method: clinical testing. Allele origin: germline. Observed: 1 variant allele.
Comment: PM2_supporting

NM_000064.4(C3):c.2443A>T (p.Ile815Phe)

Gene: C3 (complement C3; minus strand). Cytogenetic location: 19p13.3.
Variant type: single nucleotide variant.
Coding change: c.2443A>T on transcript NM_000064.4 (MANE Select); coding-DNA position 2443, A replaced by T.
Protein change: p.Ile815Phe; replaces isoleucine 815 with phenylalanine.
Molecular consequence: missense variant.
Genome position (GRCh38, 1-based): chr19:6,697,792, T>A on the plus strand (A>T on the coding strand, the complement: C3 is on the minus strand). VCF-style: chr19-6697792-T-A. GRCh37 (hg19) VCF-style: chr19-6697803-T-A.
Other names: p.Ile815Phe; short protein forms I815F.
Identifiers: ClinVar variation 4542291 (VCV004542291.1).
Genomic context (GRCh38, chr19:6,697,792, plus strand): 5'-GCCGCAGGTCGATGAAGAAGTCCTGCATTACTGTGACCTCGAAGGGGTCTGCCACACAGA[T>A]CCCTGCTCGGGCAGAGACAGAACACGGAGTGTCAAGGTCGGGGAGTGGACAAGGCCAGGC-3'
Protein context (NP_000055.2, residues 805-825): LAVSMSDKKG[Ile815Phe]CVADPFEVTV